The following is an entry in ClinVar:

NM_003119.4(SPG7):c.730T>G (p.Ser244Ala)

Gene: SPG7 (SPG7 matrix AAA peptidase subunit, paraplegin; plus strand). Cytogenetic location: 16q24.3.
Variant type: single nucleotide variant.
Coding change: c.730T>G on transcript NM_003119.4 (MANE Select); coding-DNA position 730, T replaced by G.
Protein change: p.Ser244Ala; replaces serine 244 with alanine.
Molecular consequence: missense variant.
Genome position (GRCh38, 1-based): chr16:89,526,440, T>G. VCF-style: chr16-89526440-T-G. GRCh37 (hg19) VCF-style: chr16-89592848-T-G.
Other names: c.730T>G, p.Ser244Ala (NM_001363850.1, NM_199367.3); c.730T>G (NM_003119.2); short protein forms S244A.
Identifiers: ClinVar variation 2157620 (VCV002157620.8), dbSNP rs527731763, ClinGen allele CA8243744.

ClinVar aggregate classification (germline): Uncertain significance. Review status: criteria provided, multiple submitters, no conflicts (2 of 4 stars). 3 submissions from 3 submitters: Uncertain significance (3). Last evaluated 2025-07-15.

Conditions:
Hereditary spastic paraplegia 7 (SPG7). Also called: Spastic paraplegia 7; Hereditary spastic paraplegia Paraplegin type; SPG7-related neurologic disorder; SPASTIC PARAPLEGIA 7, AUTOSOMAL RECESSIVE, WITH OR WITHOUT CEREBELLAR ATAXIA; Autosomal recessive spastic paraplegia type 7. Identifiers: Orphanet 99013, MedGen C1846564, MONDO:0011803, OMIM 607259.
Inborn genetic diseases. Identifiers: MedGen C0950123, MeSH D030342.

Allele frequency attached by ClinVar (database versions not stated): ExAC 0.00002; TOPMed 0.00002; gnomAD 0.00003; gnomAD exomes 0.00005.
gnomAD v4.1: 82 of 1,614,086 alleles (0.0051%); highest among the groups gnomAD compares: Non-Finnish European, 0.0067%; no homozygotes.

Submissions (3):

Ambry Genetics
Classification: Uncertain significance for Inborn genetic diseases. Last evaluated: 2025-07-15. Review status: criteria provided, single submitter. Criteria: Ambry Variant Classification Scheme 2023. Collection method: clinical testing. Allele origin: germline.

Labcorp Genetics (formerly Invitae), Labcorp
Classification: Uncertain significance for Hereditary spastic paraplegia 7. Last evaluated: 2024-12-16. Review status: criteria provided, single submitter. Criteria: Invitae Variant Classification Sherloc (09022015). Collection method: clinical testing. Allele origin: germline.
Comment: This sequence change replaces serine, which is neutral and polar, with alanine, which is neutral and non-polar, at codon 244 of the SPG7 protein (p.Ser244Ala). This variant is present in population databases (rs527731763, gnomAD 0.004%). This variant has not been reported in the literature in individuals affected with SPG7-related conditions. ClinVar contains an entry for this variant (Variation ID: 2157620). Invitae Evidence Modeling of protein sequence and biophysical properties (such as structural, functional, and spatial information, amino acid conservation, physicochemical variation, residue mobility, and thermodynamic stability) indicates that this missense variant is not expected to disrupt SPG7 protein function with a negative predictive value of 80%. In summary, the available evidence is currently insufficient to determine the role of this variant in disease. Therefore, it has been classified as a Variant of Uncertain Significance.

Revvity Omics, Revvity
Classification: Uncertain significance for Hereditary spastic paraplegia 7. Last evaluated: 2022-02-08. Review status: criteria provided, single submitter. Criteria: ACMG Guidelines, 2015. Collection method: clinical testing. Allele origin: germline.